The following is an entry in ClinVar:

ClinVar aggregate classification (germline): Uncertain significance (1 of 4 stars; one submission).

Allele frequency attached by ClinVar (database versions not stated): gnomAD exomes below 0.00001 and 0.00001; TOPMed below 0.00001; ExAC 0.00001; gnomAD 0.00001.
gnomAD v4.1: 6 of 1,613,744 alleles (0.00037%); highest among the groups gnomAD compares: Non-Finnish European, 0.00051%; no homozygotes.

Submission:

GeneDx
Classification: Uncertain significance. Last evaluated: 2016-01-05. Review status: criteria provided, single submitter. Criteria: GeneDx Variant Classification (06012015). Collection method: clinical testing. Allele origin: germline. Affected: yes.
Comment: The Q302R variant has not been published as a pathogenic variant, nor has it been reported as a benign variant to our knowledge. It was not observed in approximately 6,500 individuals of European and African American ancestry in the NHLBI Exome Sequencing Project, indicating it is not a common benign variant in these populations. The Q302R variant is a semi-conservative amino acid substitution, which may impact secondary protein structure as these residues differ in some properties. This substitution occurs at a position that is conserved in mammals; however, Arginine is observed at this position in evolution. In silico analysis is inconsistent in its predictions as to whether or not the variant is damaging to the protein structure/function. Therefore, based on the currently available information, it is unclear whether this variant is a pathogenic variant or a rare benign variant.

NM_002180.3(IGHMBP2):c.905A>G (p.Gln302Arg)

Gene: IGHMBP2 (immunoglobulin mu DNA binding protein 2; plus strand). Cytogenetic location: 11q13.3.
Variant type: single nucleotide variant.
Coding change: c.905A>G on transcript NM_002180.3 (MANE Select); coding-DNA position 905, A replaced by G.
Protein change: p.Gln302Arg; replaces glutamine 302 with arginine.
Molecular consequence: missense variant.
Genome position (GRCh38, 1-based): chr11:68,915,016, A>G. VCF-style: chr11-68915016-A-G. GRCh37 (hg19) VCF-style: chr11-68682484-A-G.
Other names: short protein forms Q302R.
Identifiers: ClinVar variation 234732 (VCV000234732.2), dbSNP rs748286001, ClinGen allele CA6153434.